The following is an entry in ClinVar:

NM_001376.5(DYNC1H1):c.13218+18G>C

Gene: DYNC1H1 (dynein cytoplasmic 1 heavy chain 1; plus strand). Cytogenetic location: 14q32.31.
Variant type: single nucleotide variant.
Coding change: c.13218+18G>C on transcript NM_001376.5 (MANE Select); 18 bases into the intron after coding-DNA position 13218, G replaced by C.
Molecular consequence: intron variant.
Genome position (GRCh38, 1-based): chr14:102,048,046, G>C. VCF-style: chr14-102048046-G-C. GRCh37 (hg19) VCF-style: chr14-102514383-G-C.
Identifiers: ClinVar variation 388940 (VCV000388940.9), dbSNP rs745843852, ClinGen allele CA7354171.
Genomic context (GRCh38, chr14:102,048,046, plus strand): 5'-CCAGACGCTGAGCCACCTCAAGCGCACCGTGGAGAATATCAAGGTAGCTGGGAGGGTGGC[G>C]GGCCGGCCAGGTCTCAAGGTCCCAGGTGCTGGGTATGGTCATGGACCATTGTTCCATGGA-3'

ClinVar aggregate classification (germline): Likely benign. Review status: criteria provided, multiple submitters, no conflicts (2 of 4 stars). 3 submissions from 3 submitters: Likely benign (3). Last evaluated 2024-08-07.

Conditions:
Charcot-Marie-Tooth disease axonal type 2O. Also called: Charcot-Marie-Tooth Neuropathy Type 2O; CHARCOT-MARIE-TOOTH NEUROPATHY, AXONAL, TYPE 2O; CHARCOT-MARIE-TOOTH DISEASE, AXONAL, AUTOSOMAL DOMINANT, TYPE 2O; Charcot-Marie-Tooth disease, axonal, type 20. Identifiers: Orphanet 284232, MedGen C3280220, MONDO:0013644, OMIM 614228.

Allele frequency attached by ClinVar (database versions not stated): TOPMed 0.00002.
gnomAD v4.1: 7 of 1,599,840 alleles (0.00044%); highest among the groups gnomAD compares: Non-Finnish European, 0.00059%; no homozygotes.

Submissions (3):

Labcorp Genetics (formerly Invitae), Labcorp
Classification: Likely benign for Charcot-Marie-Tooth disease axonal type 2O. Last evaluated: 2024-08-07. Review status: criteria provided, single submitter. Criteria: Invitae Variant Classification Sherloc (09022015). Collection method: clinical testing. Allele origin: germline.

Blueprint Genetics
Classification: Likely benign. Last evaluated: 2024-04-08. Review status: criteria provided, single submitter. Criteria: ACMG Guidelines, 2015. Collection method: clinical testing. Allele origin: germline.

GeneDx
Classification: Likely benign. Last evaluated: 2016-09-01. Review status: criteria provided, single submitter. Criteria: GeneDx Variant Classification (06012015). Collection method: clinical testing. Allele origin: germline. Affected: yes.
Comment: This variant is considered likely benign or benign based on one or more of the following criteria: it is a conservative change, it occurs at a poorly conserved position in the protein, it is predicted to be benign by multiple in silico algorithms, and/or has population frequency not consistent with disease.